The following is an entry in ClinVar:

NM_014339.7(IL17RA):c.2221C>A (p.Pro741Thr)

Gene: IL17RA (interleukin 17 receptor A; plus strand). Cytogenetic location: 22q11.1.
Variant type: single nucleotide variant.
Coding change: c.2221C>A on transcript NM_014339.7 (MANE Select); coding-DNA position 2221, C replaced by A.
Protein change: p.Pro741Thr; replaces proline 741 with threonine.
Molecular consequence: missense variant.
Genome position (GRCh38, 1-based): chr22:17,109,440, C>A. VCF-style: chr22-17109440-C-A. GRCh37 (hg19) VCF-style: chr22-17590330-C-A.
Other names: c.2119C>A, p.Pro707Thr (NM_001289905.2); short protein forms P741T, P707T.
Identifiers: ClinVar variation 663827 (VCV000663827.6), dbSNP rs1245969526, ClinGen allele CA410221368.

ClinVar aggregate classification (germline): Uncertain significance (1 of 4 stars; one submission).

Conditions:
Immunodeficiency 51 (IMD51). Also called: CANDIDIASIS, FAMILIAL, 5. Identifiers: Orphanet 1334, MedGen C4310803, MONDO:0013500, OMIM 613953.

Allele frequency attached by ClinVar (database versions not stated): gnomAD 0.00001; TOPMed 0.00002.
gnomAD v4.1: 23 of 1,613,290 alleles (0.0014%); highest among the groups gnomAD compares: Non-Finnish European, 0.0019%; no homozygotes.

Submission:

Labcorp Genetics (formerly Invitae), Labcorp
Classification: Uncertain significance for Immunodeficiency 51. Last evaluated: 2021-08-27. Review status: criteria provided, single submitter. Criteria: Invitae Variant Classification Sherloc (09022015). Collection method: clinical testing. Allele origin: germline.
Comment: This sequence change replaces proline with threonine at codon 741 of the IL17RA protein (p.Pro741Thr). The proline residue is moderately conserved and there is a small physicochemical difference between proline and threonine. This variant is not present in population databases (ExAC no frequency). This variant has not been reported in the literature in individuals affected with IL17RA-related conditions. Algorithms developed to predict the effect of missense changes on protein structure and function (SIFT, PolyPhen-2, Align-GVGD) all suggest that this variant is likely to be tolerated. In summary, the available evidence is currently insufficient to determine the role of this variant in disease. Therefore, it has been classified as a Variant of Uncertain Significance.